The following is an entry in ClinVar:

NM_001267550.2(TTN):c.17302G>A (p.Asp5768Asn)

Genes: TTN (titin; minus strand), LOC126806431 (CDK7 strongly-dependent group 2 enhancer GRCh37_chr2:179595719-179596918; plus strand). Cytogenetic location: 2q31.2.
Variant type: single nucleotide variant.
Coding change: c.17302G>A on transcript NM_001267550.2 (MANE Select); coding-DNA position 17302, G replaced by A.
Protein change: p.Asp5768Asn; replaces aspartic acid 5768 with asparagine.
Molecular consequence: missense variant. On other transcripts: intron variant (3).
Genome position (GRCh38, 1-based): chr2:178,731,464, C>T on the plus strand (G>A on the coding strand, the complement: TTN is on the minus strand). VCF-style: chr2-178731464-C-T. GRCh37 (hg19) VCF-style: chr2-179596191-C-T.
Other names: c.16351G>A, p.Asp5451Asn (NM_001256850.1); c.13570G>A, p.Asp4524Asn (NM_133378.4); c.13282+6618G>A (NM_003319.4); c.13858+6618G>A (NM_133437.4); c.13657+6618G>A (NM_133432.3); short protein forms D4524N, D5768N, D5451N.
Identifiers: ClinVar variation 192026 (VCV000192026.18), dbSNP rs576904726, ClinGen allele CA238135.

ClinVar aggregate classification (germline): Conflicting classifications of pathogenicity. Review status: criteria provided, conflicting classifications (1 of 4 stars). 11 submissions from 11 submitters: Uncertain significance (6); Likely benign (2). 3 of the submissions do not count toward it. Last evaluated 2026-07-16.

Conditions:
TTN-related disorder. Also called: TTN-related condition; TTN-related disease; TTN-related disorders.
Dilated cardiomyopathy 1G (CMD1G). Identifiers: Orphanet 154, MedGen C1858763, MONDO:0011400, OMIM 604145.
Autosomal recessive limb-girdle muscular dystrophy type 2J (LGMDR10). Also called: Limb-girdle muscular dystrophy, type 2J; MUSCULAR DYSTROPHY, LIMB-GIRDLE, AUTOSOMAL RECESSIVE 10. Identifiers: Orphanet 140922, MedGen C1837342, MONDO:0012127, OMIM 608807.
Cardiomyopathy (CMYO). Also called: Cardiomyopathies. Identifiers: Orphanet 167848, MedGen C0878544, MONDO:0004994, HP:0001638. Inheritance: Various modes of inheritance.
Tip-toe gait. Also called: Toe walking. Identifiers: MedGen C0427144, HP:0030051.

Allele frequency attached by ClinVar (database versions not stated): gnomAD 0.00006 and 0.00007; gnomAD exomes 0.00006; ExAC 0.00011; TOPMed 0.00012; 1000 Genomes Project 0.00020; 1000 Genomes Project 30x 0.00031.
gnomAD v4.1: 102 of 1,613,726 alleles (0.0063%); highest among the groups gnomAD compares: East Asian, 0.013%; no homozygotes.

Submissions (11):

PreventionGenetics, part of Exact Sciences
Classification: Uncertain significance for TTN-related condition. Last evaluated: 2026-07-16. Review status: criteria provided, single submitter. Criteria: ACMG Guidelines, 2015. Collection method: clinical testing. Allele origin: germline.
Comment: The TTN c.17302G>A variant is predicted to result in the amino acid substitution p.Asp5768Asn. This variant has been reported in an individual evaluated as part of an exome sequencing cohort (Reported as c.13570G>A, p.Asp4524Asn in transcript NM_133378 in Supplemental Table 3, Ng et al. 2013. PubMed ID: 23861362). This variant is reported in 0.012% of alleles in individuals of African descent in gnomAD. At this time, the clinical significance of this variant is uncertain due to the absence of conclusive functional and genetic evidence.

Molecular Diagnostic Laboratory for Inherited Cardiovascular Disease, Montreal Heart Institute
Classification: Likely benign. Last evaluated: 2026-03-27. Review status: criteria provided, single submitter. Criteria: ACMG Guidelines, 2015. Collection method: clinical testing. Allele origin: germline. Affected: no.

Women's Health and Genetics/Laboratory Corporation of America, LabCorp
Classification: Uncertain significance. Last evaluated: 2025-10-09. Review status: criteria provided, single submitter. Criteria: LabCorp Variant Classification Summary - May 2015. Collection method: clinical testing. Allele origin: germline.
Comment: Variant summary: TTN c.13570G>A (p.Asp4524Asn) results in a conservative amino acid change in the encoded protein sequence. Algorithms developed to predict the effect of missense changes on protein structure and function are either unavailable or do not agree on the potential impact of this missense change. The variant allele was found at a frequency of 6e-05 in 248612 control chromosomes. This frequency is not significantly higher than estimated for disease-causing variants in TTN, allowing no conclusion about variant significance. To our knowledge, no occurrence of c.13570G>A in individuals affected with TTN-related conditions and no experimental evidence demonstrating its impact on protein function have been reported. ClinVar contains an entry for this variant (Variation ID: 192026). Based on the evidence outlined above, the variant was classified as uncertain significance.

Revvity Omics, Revvity
Classification: Uncertain significance. Last evaluated: 2025-01-01. Review status: criteria provided, single submitter. Criteria: ACMG Guidelines, 2015. Collection method: clinical testing. Allele origin: germline.

GeneDx
Classification: Likely benign. Last evaluated: 2020-09-18. Review status: criteria provided, single submitter. Criteria: GeneDx Variant Classification Process June 2021. Collection method: clinical testing. Allele origin: germline. Affected: yes.
Comment: This variant is associated with the following publications: (PMID: 23861362)

CHEO Genetics Diagnostic Laboratory, Children's Hospital of Eastern Ontario
Classification: Uncertain significance for Cardiomyopathy. Last evaluated: 2020-04-01. Review status: criteria provided, single submitter. Criteria: ACMG Guidelines, 2015. Collection method: clinical testing. Allele origin: germline.

Labcorp Genetics (formerly Invitae), Labcorp
Classification: Uncertain significance for Dilated cardiomyopathy 1G; Autosomal recessive limb-girdle muscular dystrophy type 2J. Last evaluated: 2017-01-24. Review status: criteria provided, single submitter. Criteria: Invitae Variant Classification Sherloc (09022015). Collection method: clinical testing. Allele origin: germline.

Biesecker Lab/Clinical Genomics Section, National Institutes of Health
Classification: Uncertain significance. Last evaluated: 2013-06-24. Review status: criteria provided, single submitter. Criteria: Ng et al. (Circ Cardiovasc Genet. 2013). Collection method: research. Allele origin: unknown. Observed: 1 variant allele. Study: ClinSeq.
Comment: The study set was not selected for affection status in relation to any cancer. Pathogenicity categories were based on literature curation. See Pubmed ID:23861362 for details.

Medical sequencing

Clinical Genetics DNA and cytogenetics Diagnostics Lab, Erasmus MC, Erasmus Medical Center
Classification: Uncertain significance. Review status: no assertion criteria provided. Collection method: clinical testing. Allele origin: germline. Affected: yes. Study: VKGL Data-share Consensus. Not counted in ClinVar's aggregate classification.

Clinical Genetics, Academic Medical Center
Classification: Uncertain significance. Review status: no assertion criteria provided. Collection method: clinical testing. Allele origin: germline. Affected: yes. Study: VKGL Data-share Consensus. Not counted in ClinVar's aggregate classification.

Practice for Gait Abnormalities, David Pomarino, Competency Network Toe Walking C/o Practice Pomarino
Classification: Likely pathogenic for Tip-toe gait. Review status: no assertion criteria provided. Collection method: clinical testing. Allele origin: germline. Affected: yes. Not counted in ClinVar's aggregate classification.
Comment: Myopathy refers to diseases that affect skeletal Muscles. These diseases attack muscle fibers, making muscles weak. Inherited myopathies are often caused by inheriting an abnormal gene mutation from a parent that causes the disease. Symptoms of congenital myopathies usually start at birth or in early childhood, but may not appear until the teen years or even later in adulthood. Congenital myopathies are somewhat unique compared with other inherited myopathies, as weakness typically affects all muscles and is often not progressive. Symptoms are: Muscle weakness, most commonly of upper arms and shoulders and thighs, muscle cramps, stiffness and spasms, fatigue with exertion and lack of energy. Our patients all walk on tiptoe, so they show similar symptoms. When we genetically test them with our toe walking panel, we find that around 90 per cent of them have a genetic variant that explains their toe walking. These can be assigned, for example, to the area of myopathies (such as variants of the COL6A3 gene), the area of hereditary neuropathies (such as variants of the KMT2C gene) or the area of metabolic diseases (such as variants of the PYGM gene). In a smaller group of patients with almost identical symptoms, no abnormality is found in the genes of our panel, but spastic paraplegia can be detected. In another small group of our toe walkers, no abnormalities can be detected in the genes analysed in our toe walking panel, nor do they suffer from spastic paraplegia, as is also the case with healthy children. In contrast to these, however, they show a tiptoe gait. These patients suffer from infantile cerebral palsy, in which toe walking can also be observed.

Literature cited by the submitters: PubMed 37091313 (cited by Practice for Gait Abnormalities, David Pomarino, Competency Network Toe Walking C/o Practice Pomarino).